The following is an entry in ClinVar:

NM_020442.6(VARS2):c.2562C>T (p.Ala854=)

Gene: VARS2 (valyl-tRNA synthetase 2, mitochondrial; plus strand). Cytogenetic location: 6p21.33.
Variant type: single nucleotide variant.
Coding change: c.2562C>T on transcript NM_020442.6 (MANE Select); coding-DNA position 2562, C replaced by T.
Protein change: p.Ala854=; no amino-acid change (alanine 854 retained).
Molecular consequence: synonymous variant.
Genome position (GRCh38, 1-based): chr6:30,924,449, C>T. VCF-style: chr6-30924449-C-T. GRCh37 (hg19) VCF-style: chr6-30892226-C-T.
Other names: p.Ala884=; c.2142C>T, p.Ala714= (NM_001167733.3); c.2652C>T, p.Ala884= (NM_001167734.2).
Identifiers: ClinVar variation 4684914 (VCV004684914.2).

ClinVar aggregate classification (germline): Likely benign. Review status: criteria provided, multiple submitters, no conflicts (2 of 4 stars). 2 submissions from 2 submitters: Likely benign (2). Last evaluated 2026-01-27.

gnomAD v4.1: 147 of 1,612,608 alleles (0.0091%); highest among the groups gnomAD compares: Non-Finnish European, 0.012%; no homozygotes.

Submissions (2):

Labcorp Genetics (formerly Invitae), Labcorp
Classification: Likely benign. Last evaluated: 2026-01-27. Review status: criteria provided, single submitter. Criteria: Invitae Variant Classification Sherloc (09022015). Collection method: clinical testing. Allele origin: germline.

Mayo Clinic Laboratories, Mayo Clinic
Classification: Likely benign. Last evaluated: 2024-12-03. Review status: criteria provided, single submitter. Criteria: ACMG Guidelines, 2015. Collection method: clinical testing. Allele origin: germline. Observed: 1 variant allele.
Comment: BP4, BP7